The following is an entry in ClinVar:

ClinVar aggregate classification (germline): Uncertain significance (1 of 4 stars; one submission).

gnomAD v4.1: 1 of 1,613,730 alleles (0.000062%); no homozygotes.

Submission:

GeneDx
Classification: Uncertain significance. Last evaluated: 2019-10-31. Review status: criteria provided, single submitter. Criteria: GeneDx Variant Classification Process June 2021. Collection method: clinical testing. Allele origin: germline. Affected: yes.
Comment: Not observed in large population cohorts (Lek et al., 2016); In silico analysis, which includes protein predictors and evolutionary conservation, supports a deleterious effect; Has not been previously published as pathogenic or benign to our knowledge

NM_001291303.3(FAT4):c.9140C>T (p.Ser3047Phe)

Gene: FAT4 (FAT atypical cadherin 4; plus strand). Cytogenetic location: 4q28.1.
Variant type: single nucleotide variant.
Coding change: c.9140C>T on transcript NM_001291303.3 (MANE Select); coding-DNA position 9140, C replaced by T.
Protein change: p.Ser3047Phe; replaces serine 3047 with phenylalanine.
Molecular consequence: missense variant.
Genome position (GRCh38, 1-based): chr4:125,450,150, C>T. VCF-style: chr4-125450150-C-T. GRCh37 (hg19) VCF-style: chr4-126371305-C-T.
Other names: c.9140C>T, p.Ser3047Phe (NM_001291285.3); c.9134C>T, p.Ser3045Phe (NM_024582.6); short protein forms S3045F, S3047F.
Identifiers: ClinVar variation 1309366 (VCV001309366.2), dbSNP rs2126059036, ClinGen allele CA358150161.